The following is an entry in ClinVar:

ClinVar aggregate classification (germline): Conflicting classifications of pathogenicity. Review status: criteria provided, conflicting classifications (1 of 4 stars). 8 submissions from 4 submitters: Uncertain significance (4); Benign (1); Likely benign (3). Last evaluated 2025-04-09.

Conditions:
Early-onset myopathy with fatal cardiomyopathy (CMYO5). Also called: CONGENITAL MYOPATHY 5 WITH CARDIOMYOPATHY; Salih Myopathy. Identifiers: Orphanet 289377, MedGen C2673677, MONDO:0012714, OMIM 611705. Disease mechanism: loss of function.
Autosomal recessive limb-girdle muscular dystrophy type 2J (LGMDR10). Also called: MUSCULAR DYSTROPHY, LIMB-GIRDLE, AUTOSOMAL RECESSIVE 10; Limb-girdle muscular dystrophy, type 2J. Identifiers: Orphanet 140922, MedGen C1837342, MONDO:0012127, OMIM 608807.
Myopathy, myofibrillar, 9, with early respiratory failure (MFM9). Also called: EDSTROM MYOPATHY; MYOPATHY, PROXIMAL, WITH EARLY RESPIRATORY MUSCLE INVOLVEMENT; Myopathy, distal, with early respiratory failure, autosomal dominant; Hereditary myopathy with early respiratory failure. Identifiers: Orphanet 178464, Orphanet 34521, MedGen C1863599, MONDO:0011362, OMIM 603689.
Dilated cardiomyopathy 1G (CMD1G). Identifiers: Orphanet 154, MedGen C1858763, MONDO:0011400, OMIM 604145.
Tibial muscular dystrophy (TMD). Also called: UDD MYOPATHY; Tibial muscular dystrophy, tardive; Udd Distal Myopathy – Tibial Muscular Dystrophy. Identifiers: Orphanet 609, MedGen C1838244, MONDO:0010870, OMIM 600334.

Allele frequency attached by ClinVar (database versions not stated): ExAC 0.00008; gnomAD exomes 0.00008 and 0.00013; gnomAD 0.00014 and 0.00015; TOPMed 0.00014.
gnomAD v4.1: 208 of 1,610,890 alleles (0.013%); highest among the groups gnomAD compares: Non-Finnish European, 0.017%; no homozygotes.

Submissions (8):

Molecular Diagnostic Laboratory for Inherited Cardiovascular Disease, Montreal Heart Institute
Classification: Likely benign. Last evaluated: 2025-04-09. Review status: criteria provided, single submitter. Criteria: ACMG Guidelines, 2015. Collection method: clinical testing. Allele origin: germline. Affected: no.

GeneDx
Classification: Likely benign. Last evaluated: 2019-01-11. Review status: criteria provided, single submitter. Criteria: GeneDx Variant Classification Process June 2021. Collection method: clinical testing. Allele origin: germline. Affected: yes.

Illumina Laboratory Services, Illumina
Classification: Likely benign for Myopathy, myofibrillar, 9, with early respiratory failure. Last evaluated: 2018-01-12. Review status: criteria provided, single submitter. Criteria: ICSL Variant Classification Criteria 13 December 2019. Collection method: clinical testing. Allele origin: germline.
Comment: This variant was observed in the ICSL laboratory as part of a predisposition screen in an ostensibly healthy population. It had not been previously curated by ICSL or reported in the Human Gene Mutation Database (HGMD: prior to June 1st, 2018), and was therefore a candidate for classification through an automated scoring system. Utilizing variant allele frequency, disease prevalence and penetrance estimates, and inheritance mode, an automated score was calculated to assess if this variant is too frequent to cause the disease. Based on the score and internal cut-off values, a variant classified as likely benign is not then subjected to further curation. The score for this variant resulted in a classification of likely benign for this disease.

Illumina Laboratory Services, Illumina
Classification: Uncertain significance for Early-onset myopathy with fatal cardiomyopathy. Last evaluated: 2018-01-12. Review status: criteria provided, single submitter. Criteria: ICSL Variant Classification Criteria 13 December 2019. Collection method: clinical testing. Allele origin: germline.

Illumina Laboratory Services, Illumina
Classification: Uncertain significance for Dilated cardiomyopathy 1G. Last evaluated: 2018-01-12. Review status: criteria provided, single submitter. Criteria: ICSL Variant Classification Criteria 13 December 2019. Collection method: clinical testing. Allele origin: germline.

Illumina Laboratory Services, Illumina
Classification: Benign for Tibial muscular dystrophy. Last evaluated: 2018-01-12. Review status: criteria provided, single submitter. Criteria: ICSL Variant Classification Criteria 13 December 2019. Collection method: clinical testing. Allele origin: germline.
Comment: This variant was observed in the ICSL laboratory as part of a predisposition screen in an ostensibly healthy population. It had not been previously curated by ICSL or reported in the Human Gene Mutation Database (HGMD: prior to June 1st, 2018), and was therefore a candidate for classification through an automated scoring system. Utilizing variant allele frequency, disease prevalence and penetrance estimates, and inheritance mode, an automated score was calculated to assess if this variant is too frequent to cause the disease. Based on the score and internal cut-off values, a variant classified as benign is not then subjected to further curation. The score for this variant resulted in a classification of benign for this disease.

Illumina Laboratory Services, Illumina
Classification: Uncertain significance for Autosomal recessive limb-girdle muscular dystrophy type 2J. Last evaluated: 2018-01-12. Review status: criteria provided, single submitter. Criteria: ICSL Variant Classification Criteria 13 December 2019. Collection method: clinical testing. Allele origin: germline.

ARUP Laboratories, Molecular Genetics and Genomics, ARUP Laboratories
Classification: Uncertain significance. Last evaluated: 2017-02-06. Review status: criteria provided, single submitter. Criteria: ARUP Molecular Germline Variant Investigation Process. Collection method: clinical testing. Allele origin: germline.

NM_001267550.2(TTN):c.98959T>C (p.Ser32987Pro)

Genes: TTN (titin; minus strand), TTN-AS1 (TTN antisense RNA 1; plus strand). Cytogenetic location: 2q31.2.
Variant type: single nucleotide variant.
Coding change: c.98959T>C on transcript NM_001267550.2 (MANE Select); coding-DNA position 98959, T replaced by C.
Protein change: p.Ser32987Pro; replaces serine 32987 with proline.
Molecular consequence: missense variant. On other transcripts: non-coding transcript variant (1).
Genome position (GRCh38, 1-based): chr2:178,538,976, A>G on the plus strand (T>C on the coding strand, the complement: TTN is on the minus strand). VCF-style: chr2-178538976-A-G. GRCh37 (hg19) VCF-style: chr2-179403703-A-G.
Other names: p.S31346P:TCT>CCT; c.94036T>C, p.Ser31346Pro (NM_001256850.1); c.71764T>C, p.Ser23922Pro (NM_003319.4); c.91255T>C, p.Ser30419Pro (NM_133378.4); c.72139T>C, p.Ser24047Pro (NM_133432.3); c.72340T>C, p.Ser24114Pro (NM_133437.4); short protein forms S31346P, S32987P, S30419P, S23922P, S24047P, S24114P.
Identifiers: ClinVar variation 203043 (VCV000203043.14), dbSNP rs758494581, ClinGen allele CA311067.